The following is an entry in ClinVar:

NM_006662.3(SRCAP):c.2755C>T (p.Pro919Ser)

Gene: SRCAP (Snf2 related CREBBP activator protein; plus strand). Cytogenetic location: 16p11.2.
Variant type: single nucleotide variant.
Coding change: c.2755C>T on transcript NM_006662.3 (MANE Select); coding-DNA position 2755, C replaced by T.
Protein change: p.Pro919Ser; replaces proline 919 with serine.
Molecular consequence: missense variant.
Genome position (GRCh38, 1-based): chr16:30,716,417, C>T. VCF-style: chr16-30716417-C-T. GRCh37 (hg19) VCF-style: chr16-30727738-C-T.
Other names: short protein forms P919S.
Identifiers: ClinVar variation 1525702 (VCV001525702.6), dbSNP rs2151290552, ClinGen allele CA395611323.
Genomic context (GRCh38, chr16:30,716,417, plus strand): 5'-AAAGTTTGCAATCATCCAAATCTGTTCGACCCTCGACCGGTTACCTCCCCTTTCATCACC[C>T]CAGGCATCTGCTTCAGCACCGCCTCTCTGGTGCTAAGGGCCACGGATGTCCATCCCCTCC-3'
Protein context (NP_006653.2, residues 909-929): PRPVTSPFIT[Pro919Ser]GICFSTASLV

ClinVar aggregate classification (germline): Uncertain significance (1 of 4 stars; one submission).

Submission:

Labcorp Genetics (formerly Invitae), Labcorp
Classification: Uncertain significance. Last evaluated: 2022-11-22. Review status: criteria provided, single submitter. Criteria: Invitae Variant Classification Sherloc (09022015). Collection method: clinical testing. Allele origin: germline.
Comment: In summary, the available evidence is currently insufficient to determine the role of this variant in disease. Therefore, it has been classified as a Variant of Uncertain Significance. Advanced modeling of protein sequence and biophysical properties (such as structural, functional, and spatial information, amino acid conservation, physicochemical variation, residue mobility, and thermodynamic stability) performed at Invitae indicates that this missense variant is not expected to disrupt SRCAP protein function. ClinVar contains an entry for this variant (Variation ID: 1525702). This variant has not been reported in the literature in individuals affected with SRCAP-related conditions. This variant is not present in population databases (gnomAD no frequency). This sequence change replaces proline, which is neutral and non-polar, with serine, which is neutral and polar, at codon 919 of the SRCAP protein (p.Pro919Ser).